The following is an entry in ClinVar:

NM_001386795.1(DTNA):c.604-10T>C

Gene: DTNA (dystrobrevin alpha; plus strand). Cytogenetic location: 18q12.1.
Variant type: single nucleotide variant.
Coding change: c.604-10T>C on transcript NM_001386795.1 (MANE Select); 10 bases into the intron before coding-DNA position 604, T replaced by C.
Molecular consequence: intron variant.
Genome position (GRCh38, 1-based): chr18:34,815,899, T>C. VCF-style: chr18-34815899-T-C. GRCh37 (hg19) VCF-style: chr18-32395863-T-C.
Other names: c.604-10T>C (NM_032975.4, NM_001386761.1, NM_001386762.1 and 34 more transcripts); c.603+3786T>C (NM_001198945.2).
Identifiers: ClinVar variation 1033425 (VCV001033425.1), dbSNP rs2095586366, ClinGen allele CA2295350267.

ClinVar aggregate classification (germline): Uncertain significance (1 of 4 stars; one submission).

Conditions:
Left ventricular noncompaction 1 (LVNC1). Also called: LEFT VENTRICULAR NONCOMPACTION 1 WITH OR WITHOUT CONGENITAL HEART DEFECTS. Identifiers: Orphanet 54260, MedGen C1858725, MONDO:0011403, OMIM 604169.

Submission:

Baylor Genetics
Classification: Uncertain significance for Left ventricular noncompaction 1. Last evaluated: 2018-04-25. Review status: criteria provided, single submitter. Criteria: ACMG Guidelines, 2015. Collection method: clinical testing. Allele origin: maternal. Affected: yes.
Comment: This variant was determined to be of uncertain significance according to ACMG Guidelines, 2015 [PMID:25741868].